The following is an entry in ClinVar:

ClinVar aggregate classification (germline): Benign (1 of 4 stars; one submission).

Conditions:
Holt-Oram syndrome (HOS). Also called: TBX5-Related Holt-Oram Syndrome; Ventriculo-radial syndrome; Cardiac-limb syndrome; Heart-hand syndrome, type 1. Identifiers: Orphanet 392, MedGen C0265264, MONDO:0007732, OMIM 142900.

Allele frequency attached by ClinVar (database versions not stated): TOPMed 0.00780; 1000 Genomes Project 0.00579; 1000 Genomes Project 30x 0.00640; gnomAD 0.00666.
gnomAD v4.1: 1,336 of 657,212 alleles (0.2%); highest among the groups gnomAD compares: African/African-American, 2.5%; 13 homozygotes.

Submission:

Illumina Laboratory Services, Illumina
Classification: Benign for Holt-Oram syndrome. Last evaluated: 2018-01-12. Review status: criteria provided, single submitter. Criteria: ICSL Variant Classification Criteria 13 December 2019. Collection method: clinical testing. Allele origin: germline.
Comment: This variant was observed in the ICSL laboratory as part of a predisposition screen in an ostensibly healthy population. It had not been previously curated by ICSL or reported in the Human Gene Mutation Database (HGMD: prior to June 1st, 2018), and was therefore a candidate for classification through an automated scoring system. Utilizing variant allele frequency, disease prevalence and penetrance estimates, and inheritance mode, an automated score was calculated to assess if this variant is too frequent to cause the disease. Based on the score and internal cut-off values, a variant classified as benign is not then subjected to further curation. The score for this variant resulted in a classification of benign for this disease.

NM_000192.3(TBX5):c.-545C>T

Genes: TBX5 (T-box transcription factor 5; minus strand), TBX5-AS1 (TBX5 antisense RNA 1; plus strand). Cytogenetic location: 12q24.21.
Variant type: single nucleotide variant.
Coding change: c.-545C>T on transcript NM_000192.3; 545 bases upstream of the start codon, C replaced by T.
Molecular consequence: 5 prime UTR variant.
Genome position (GRCh38, 1-based): chr12:114,408,320, G>A on the plus strand (C>T on the coding strand, the complement: TBX5 is on the minus strand). VCF-style: chr12-114408320-G-A. GRCh37 (hg19) VCF-style: chr12-114846125-G-A.
Identifiers: ClinVar variation 307319 (VCV000307319.7), dbSNP rs115599823, ClinGen allele CA10640335.
Genomic context (GRCh38, chr12:114,408,320, plus strand): 5'-ACCCGGCTTTCTCCGGAGGAATGAGGGTGATGAACATAAGACACAAATAGAGCCAAGATC[G>A]ACTTTCTTAGGAAGGGGGAGAGGAGGGAACTCTTCACGAAGGGAGGTGGGAGTCCACCTC-3'